The following is an entry in ClinVar:

NM_018896.5(CACNA1G):c.3086C>T (p.Pro1029Leu)

Gene: CACNA1G (calcium voltage-gated channel subunit alpha1 G; plus strand). Cytogenetic location: 17q21.33.
Variant type: single nucleotide variant.
Coding change: c.3086C>T on transcript NM_018896.5 (MANE Select); coding-DNA position 3086, C replaced by T.
Protein change: p.Pro1029Leu; replaces proline 1029 with leucine.
Molecular consequence: missense variant. On other transcripts: non-coding transcript variant (5).
Genome position (GRCh38, 1-based): chr17:50,596,751, C>T. VCF-style: chr17-50596751-C-T. GRCh37 (hg19) VCF-style: chr17-48674112-C-T.
Other names: c.3086C>T, p.Pro1029Leu (NM_001256324.2, NM_001256325.2, NM_001256326.2 and 16 more transcripts); c.3017C>T, p.Pro1006Leu (NM_001256332.2, NM_198376.3, NM_198379.3 and 5 more transcripts); short protein forms P1006L, P1029L.
Identifiers: ClinVar variation 3341492 (VCV003341492.2).
Genomic context (GRCh38, chr17:50,596,751, plus strand): 5'-CTGTGTGGACTCGGGATCTCTCCCTCTCTCCCCGTGCAGTGGTGTCCCTGGGAGAGCACC[C>T]GGAGCTGCGGAAGAGCCTGCTGCCGCCTCTCATCATCCACACGGCCGCCACACCCATGTC-3'
Protein context (NP_061496.2, residues 1019-1039): CLALVSLGEH[Pro1029Leu]ELRKSLLPPL

ClinVar aggregate classification (germline): Conflicting classifications of pathogenicity. Review status: criteria provided, conflicting classifications (1 of 4 stars). 2 submissions from 2 submitters: Uncertain significance (1); Likely benign (1). Last evaluated 2025-03-29.

Conditions:
Spinocerebellar ataxia 42, early-onset, severe, with neurodevelopmental deficits. Identifiers: MedGen C4748120, MONDO:0060758, OMIM 618087.

gnomAD v4.1: 51 of 1,613,130 alleles (0.0032%); highest among the groups gnomAD compares: East Asian, 0.02%; no homozygotes.

Submissions (2):

Labcorp Genetics (formerly Invitae), Labcorp
Classification: Likely benign. Last evaluated: 2025-03-29. Review status: criteria provided, single submitter. Criteria: Invitae Variant Classification Sherloc (09022015). Collection method: clinical testing. Allele origin: germline.

Neuberg Centre For Genomic Medicine, NCGM
Classification: Uncertain significance for Spinocerebellar ataxia 42, early-onset, severe, with neurodevelopmental deficits. Last evaluated: 2023-05-20. Review status: criteria provided, single submitter. Criteria: ACMG Guidelines, 2015. Collection method: clinical testing. Allele origin: germline. Inheritance: Autosomal dominant inheritance. Affected: yes.
Comment: The missense variant c.3086C>T(p.Pro1029Leu) in CACNA1G gene has not been reported previously as a pathogenic variant nor as a benign variant, to our knowledge. The observed variant has allele frequency of 0.002% in gnomAD exomes database. This variant has not been reported to the ClinVar database. Multiple lines of computational evidence (Polyphen - Benign, SIFT - Tolerated and MutationTaster - disease causing) predict conflicting evidences on protein structure and function for this variant. The amino acidchange p.Pro1029Leu in CACNA1G is predicted as conserved by GERP++ and PhyloP across 100 vertebrates. The amino acid Pro at position 1029 is changed to a Leu changing protein sequence and it might alter its composition and physico-chemical properties. For these reasons, this variant has been classified as Uncertain Significance (VUS).